The following is an entry in ClinVar:

ClinVar aggregate classification (germline): Likely benign (0 of 4 stars; one submission).

Conditions:
NF1-related disorder. Also called: NF1-related condition. Identifiers: MedGen CN379171.

Allele frequency attached by ClinVar (database versions not stated): gnomAD exomes below 0.00001; gnomAD 0.00001; TOPMed 0.00002.
gnomAD v4.1: 11 of 1,521,108 alleles (0.00072%); highest among the groups gnomAD compares: Admixed American, 0.0034%; no homozygotes.

Submission:

PreventionGenetics, part of Exact Sciences
Classification: Likely benign for NF1-related condition. Last evaluated: 2022-09-23. Review status: no assertion criteria provided. Collection method: clinical testing. Allele origin: germline.
Comment: This variant is classified as likely benign based on ACMG/AMP sequence variant interpretation guidelines (Richards et al. 2015 PMID: 25741868, with internal and published modifications).

NM_001042492.3(NF1):c.6642+53T>C

Gene: NF1 (neurofibromin 1; plus strand). Cytogenetic location: 17q11.2.
Variant type: single nucleotide variant.
Coding change: c.6642+53T>C on transcript NM_001042492.3 (MANE Select); 53 bases into the intron after coding-DNA position 6642, T replaced by C.
Molecular consequence: intron variant.
Genome position (GRCh38, 1-based): chr17:31,337,635, T>C. VCF-style: chr17-31337635-T-C. GRCh37 (hg19) VCF-style: chr17-29664653-T-C.
Other names: c.6579+53T>C (NM_000267.4).
Identifiers: ClinVar variation 3048091 (VCV003048091.2), dbSNP rs374046990, ClinGen allele CA289387034.